The following is an entry in ClinVar:

ClinVar aggregate classification (germline): Likely benign. Review status: criteria provided, multiple submitters, no conflicts (2 of 4 stars). 2 submissions from 2 submitters: Likely benign (2). Last evaluated 2025-07-20.

Conditions:
ARMC9-related disorder. Also called: ARMC9-related condition.

Allele frequency attached by ClinVar (database versions not stated): TOPMed below 0.00001; gnomAD exomes 0.00001 and 0.00002.
gnomAD v4.1: 12 of 1,610,272 alleles (0.00075%); highest among the groups gnomAD compares: Admixed American, 0.014%; no homozygotes.

Submissions (2):

Labcorp Genetics (formerly Invitae), Labcorp
Classification: Likely benign. Last evaluated: 2025-07-20. Review status: criteria provided, single submitter. Criteria: Invitae Variant Classification Sherloc (09022015). Collection method: clinical testing. Allele origin: germline.

PreventionGenetics, part of Exact Sciences
Classification: Likely benign for ARMC9-related condition. Last evaluated: 2025-07-14. Review status: criteria provided, single submitter. Criteria: ACMG Guidelines, 2015. Collection method: clinical testing. Allele origin: germline.
Comment: This variant is classified as likely benign based on ACMG/AMP sequence variant interpretation guidelines (Richards et al. 2015 PMID: 25741868, with internal and published modifications).

NM_001352754.2(ARMC9):c.628T>C (p.Leu210=)

Gene: ARMC9 (armadillo repeat containing 9; plus strand). Cytogenetic location: 2q37.1.
Variant type: single nucleotide variant.
Coding change: c.628T>C on transcript NM_001352754.2 (MANE Select); coding-DNA position 628, T replaced by C.
Protein change: p.Leu210=; no amino-acid change (leucine 210 retained).
Molecular consequence: synonymous variant. On other transcripts: non-coding transcript variant (1).
Genome position (GRCh38, 1-based): chr2:231,235,229, T>C. VCF-style: chr2-231235229-T-C. GRCh37 (hg19) VCF-style: chr2-232099942-T-C.
Other names: c.628T>C, p.Leu210= (NM_001271466.4, NM_001291656.2, NM_001352755.2 and 5 more transcripts); c.628T>C (NM_025139.5).
Identifiers: ClinVar variation 1574611 (VCV001574611.9), dbSNP rs979089973, ClinGen allele CA66832917.